The following is an entry in ClinVar:

NM_003859.3(DPM1):c.656A>G (p.Gln219Arg)

Genes: ADNP-AS1 (ADNP antisense RNA 1; plus strand), DPM1 (dolichyl-phosphate mannosyltransferase subunit 1, catalytic; minus strand). Cytogenetic location: 20q13.13.
Variant type: single nucleotide variant.
Coding change: c.656A>G on transcript NM_003859.3 (MANE Select); coding-DNA position 656, A replaced by G.
Protein change: p.Gln219Arg; replaces glutamine 219 with arginine.
Molecular consequence: missense variant. On other transcripts: non-coding transcript variant (1).
Genome position (GRCh38, 1-based): chr20:50,936,170, T>C on the plus strand (A>G on the coding strand, the complement: DPM1 is on the minus strand). VCF-style: chr20-50936170-T-C. GRCh37 (hg19) VCF-style: chr20-49552707-T-C.
Other names: c.761A>G, p.Gln254Arg (NM_001317034.1); c.737A>G, p.Gln246Arg (NM_001317035.1); c.587A>G, p.Gln196Arg (NM_001317036.1); short protein forms Q196R, Q219R, Q246R, Q254R.
Identifiers: ClinVar variation 1483623 (VCV001483623.6), dbSNP rs2123061416, ClinGen allele CA408987294.

ClinVar aggregate classification (germline): Uncertain significance (1 of 4 stars; one submission).

Conditions:
Congenital disorder of glycosylation type 1E (CDG1E). Also called: CONGENITAL DISORDER OF GLYCOSYLATION, TYPE Ie; CDG Ie. Identifiers: Orphanet 79322, MedGen C1837396, MONDO:0012123, OMIM 608799.

Submission:

Labcorp Genetics (formerly Invitae), Labcorp
Classification: Uncertain significance for Congenital disorder of glycosylation type 1E. Last evaluated: 2021-09-06. Review status: criteria provided, single submitter. Criteria: Invitae Variant Classification Sherloc (09022015). Collection method: clinical testing. Allele origin: germline.
Comment: In summary, the available evidence is currently insufficient to determine the role of this variant in disease. Therefore, it has been classified as a Variant of Uncertain Significance. Algorithms developed to predict the effect of missense changes on protein structure and function (SIFT, PolyPhen-2, Align-GVGD) all suggest that this variant is likely to be tolerated. This variant has not been reported in the literature in individuals affected with DPM1-related conditions. This variant is not present in population databases (ExAC no frequency). This sequence change replaces glutamine with arginine at codon 219 of the DPM1 protein (p.Gln219Arg). The glutamine residue is highly conserved and there is a small physicochemical difference between glutamine and arginine.